The following is an entry in ClinVar:

ClinVar aggregate classification (germline): Benign. Review status: criteria provided, multiple submitters, no conflicts (2 of 4 stars). 3 submissions from 3 submitters: Benign (2). 1 of the submissions does not count toward it. Last evaluated 2026-01-23.

Conditions:
LRRK1-related disorder. Also called: LRRK1-related condition.

Allele frequency attached by ClinVar (database versions not stated): ESP Exome Variant Server 0.00016; gnomAD exomes 0.00143 and 0.00463; gnomAD 0.00161 and 0.00198; TOPMed 0.00311; ExAC 0.00379; 1000 Genomes Project 30x 0.00468; 1000 Genomes Project 0.00479.
gnomAD v4.1: 2,400 of 1,614,198 alleles (0.15%); highest among the groups gnomAD compares: East Asian, 3%; 29 homozygotes.

Submissions (3):

Labcorp Genetics (formerly Invitae), Labcorp
Classification: Benign. Last evaluated: 2026-01-23. Review status: criteria provided, single submitter. Criteria: Invitae Variant Classification Sherloc (09022015). Collection method: clinical testing. Allele origin: germline.

Breakthrough Genomics
Classification: Benign. Review status: criteria provided, single submitter. Criteria: ACMG Guidelines, 2015. Collection method: not provided. Allele origin: germline. Inheritance: Autosomal recessive inheritance. Affected: yes.

PreventionGenetics, part of Exact Sciences
Classification: Benign for LRRK1-related condition. Last evaluated: 2019-04-23. Review status: no assertion criteria provided. Collection method: clinical testing. Allele origin: germline. Not counted in ClinVar's aggregate classification.
Comment: This variant is classified as benign based on ACMG/AMP sequence variant interpretation guidelines (Richards et al. 2015 PMID: 25741868, with internal and published modifications).

NM_024652.6(LRRK1):c.5503C>T (p.Leu1835Phe)

Genes: LRRK1-AS1 (LRRK1 antisense RNA 1; minus strand), LRRK1 (leucine rich repeat kinase 1; plus strand). Cytogenetic location: 15q26.3.
Variant type: single nucleotide variant.
Coding change: c.5503C>T on transcript NM_024652.6 (MANE Select); coding-DNA position 5503, C replaced by T.
Protein change: p.Leu1835Phe; replaces leucine 1835 with phenylalanine.
Molecular consequence: missense variant.
Genome position (GRCh38, 1-based): chr15:101,065,940, C>T. VCF-style: chr15-101065940-C-T. GRCh37 (hg19) VCF-style: chr15-101606145-C-T.
Other names: c.5503C>T (NM_024652.5); short protein forms L1835F.
Identifiers: ClinVar variation 773859 (VCV000773859.13), dbSNP rs35128996, ClinGen allele CA7762159.